The following is an entry in ClinVar:

ClinVar aggregate classification (germline): Pathogenic/Likely pathogenic. Review status: criteria provided, multiple submitters, no conflicts (2 of 4 stars). 17 submissions from 17 submitters: Pathogenic (13); Likely pathogenic (1). 3 of the submissions do not count toward it. Last evaluated 2026-08-19.

Conditions:
SLCO1B1-related disorder. Also called: SLCO1B1-related condition.
Rotor syndrome (HBLRR). Also called: HYPERBILIRUBINEMIA, ROTOR TYPE, DIGENIC; HYPERBILIRUBINEMIA, ROTOR TYPE. Identifiers: Orphanet 3111, MedGen C0220991, MONDO:0009379, OMIM 237450.
Type 2 diabetes mellitus. Also called: Type II diabetes mellitus. Identifiers: MedGen C0011860, MeSH D003924, MONDO:0005148, OMIM 125853, HP:0005978.

Allele frequency attached by ClinVar (database versions not stated): ESP Exome Variant Server 0.00100; gnomAD 0.00150 and 0.00161; 1000 Genomes Project 0.00280; 1000 Genomes Project 30x 0.00265.
gnomAD v4.1: 867 of 634,468 alleles (0.14%); highest among the groups gnomAD compares: Middle Eastern, 2.3%; 3 homozygotes.

Submissions 1 to 10 of 17:

Molecular Genetics Laboratory, CHU Lille
Classification: Pathogenic for Rotor syndrome. Last evaluated: 2026-08-19. Review status: criteria provided, single submitter. Criteria: ACMG Guidelines, 2015. Collection method: clinical testing. Allele origin: germline. Affected: yes.
Comment: The SLCO1B1 variant NM_006446.5:c.1738C>T (p.Arg580Ter) introduces a premature termination codon, which is predicted to result in a loss of normal protein function—an established disease mechanism for this gene. This variant has been recurrently observed in affected individuals matching the phenotype, within a genotype context consistent with recessive inheritance. Furthermore, it is present at a low frequency in population datasets. Based on the available data, this variant is classified as Pathogenic.

OLLIN Analises Genomicas, OLLIN
Classification: Pathogenic for Rotor syndrome. Last evaluated: 2026-08-06. Review status: criteria provided, single submitter. Criteria: ACMG Guidelines 2015 PMID 25741868. Collection method: clinical testing. Allele origin: germline.
Comment: This nonsense variant, located in exon 13 (of 15), has been reported in ClinVar (accession VCV000030437.61) and in gnomAD with an allele frequency of 0.14%. However, to our knowledge, it has not been reported in the scientific literature. This variant introduces a premature stop codon, which is predicted to result in either a truncated protein or degradation of the mRNA via nonsense-mediated decay (NMD). According to the currently available evidence, this variant has been classified as pathogenic (PVS1, PM3, PP1).

PreventionGenetics, part of Exact Sciences
Classification: Likely pathogenic for SLCO1B1-related condition. Last evaluated: 2026-04-15. Review status: criteria provided, single submitter. Criteria: ACMG Guidelines, 2015. Collection method: clinical testing. Allele origin: germline.
Comment: The SLCO1B1 c.1738C>T variant is predicted to result in premature protein termination (p.Arg580*). This variant is frequently documented in individuals affected with Rotor syndrome who are also homozygous for either a 7.2 kb deletion encompassing exon 12 of SLCO1B3 (van de Steeg et al. 2012. PubMed ID: 22232210), a ~6 kb LINE-1 retrotransposon insertion in intron 3 of SLCO1B3 resulting in exon 4 inversion and exclusion from mature mRNA (Zhou et al. 2019. PubMed ID: 32082363), or a ~6.1 kb LINE-1 retrotransposon insertion in intron 5 of SLCO1B3, resulting in skipping of exon 5 or exons 5-7 (Kagawa et al. 2015. PubMed ID: 25546334). This variant is reported in 0.39% of alleles in individuals of East Asian descent in gnomAD and is also documented in two homozygous individuals of unknown phenotype. Based on the available evidence, we classify this variant as likely pathogenic.

Dasa
Classification: Pathogenic. Last evaluated: 2026-01-30. Review status: criteria provided, single submitter. Criteria: DASA Assertion Criteria. Collection method: clinical testing. Allele origin: germline.
Comment: NM_006446.5(SLCO1B1):c.1738C>T (p.Arg580Ter) introduces a premature termination codon predicted to result in loss of normal protein function. Loss-of-function is an established mechanism of disease for this gene. This variant has been observed in affected individuals with related phenotype in a genotype context consistent with recessive disease (PMID: 39071607; PMID: 33860121). This variant has been recurrently observed in individuals with related phenotype (PMID: 39071607; PMID: 33860121). The variant is present at low frequency in population datasets. Based on the available data, this variant is classified as pathogenic.

3billion
Classification: Pathogenic for Rotor syndrome. Last evaluated: 2025-12-04. Review status: criteria provided, single submitter. Criteria: ACMG Guidelines, 2015. Collection method: clinical testing. Allele origin: germline. Affected: yes.
Comment: The variant is observed at an extremely low frequency in the gnomAD v4.1.0 dataset (total allele frequency: 0.137%). Predicted Consequence/Location: Stop-gained (nonsense): predicted to result in a loss or disruption of normal protein function through nonsense-mediated decay (NMD) or protein truncation. Multiple pathogenic variants are reported downstream of the variant. The variant has been reported to be in trans with a pathogenic variant as either compound heterozygous or homozygous in at least one similarly affected unrelated individual (PMID: 25546334, 34354231). The variant has been reported at least twice as pathogenic with clinical assertions and evidence for the classification (ClinVar ID: VCV000030437 /3billion dataset). Therefore, this variant is classified as Pathogenic according to the recommendation of ACMG/AMP guideline.

Blueprint Genetics
Classification: Pathogenic for SLCO1B1-related disorders. Last evaluated: 2024-11-25. Review status: criteria provided, single submitter. Criteria: ACMG Guidelines, 2015. Collection method: clinical testing. Allele origin: germline. Affected: yes. Observed: 5 variant alleles.

Women's Health and Genetics/Laboratory Corporation of America, LabCorp
Classification: Pathogenic for Rotor syndrome. Last evaluated: 2024-07-29. Review status: criteria provided, single submitter. Criteria: LabCorp Variant Classification Summary - May 2015. Collection method: clinical testing. Allele origin: germline.
Comment: Variant summary: SLCO1B1 c.1738C>T (p.Arg580X) results in a premature termination codon, predicted to cause a truncation of the encoded protein or absence of the protein due to nonsense mediated decay, which are commonly known mechanisms for disease. The variant allele was found at a frequency of 0.0016 in 181496 control chromosomes in the gnomAD database, including 2 homozygotes. This frequency is not significantly higher than estimated for a pathogenic variant in SLCO1B1 causing Rotor Syndrome, allowing no conclusion about variant significance. c.1738C>T has been reported in the literature as homozygous genotype together with homozygous variants in the SLCO1B3 gene in multiple individuals affected with Rotor Syndrome (van de Steeg_ 2012, Zhou_2019). These data indicate that the variant is very likely to be associated with disease. To our knowledge, no experimental evidence demonstrating an impact on protein function has been reported. The following publications have been ascertained in the context of this evaluation (PMID: 32082363, 22232210). ClinVar contains an entry for this variant (Variation ID: 30437). Based on the evidence outlined above, the variant was classified as pathogenic.

ARUP Laboratories, Molecular Genetics and Genomics, ARUP Laboratories
Classification: Pathogenic for Rotor syndrome. Last evaluated: 2023-11-29. Review status: criteria provided, single submitter. Criteria: ARUP Molecular Germline Variant Investigation Process 2024. Collection method: clinical testing. Allele origin: germline.
Comment: The SLCO1B1 c.1738C>T; p.Arg580Ter variant (rs71581941) is reported in the literature in individuals affected with Rotor Syndrome (Fang 2021, Kimura 2021, van de Steeg 2012, Zhou 2019). This variant is also reported in ClinVar (Variation ID: 30437). This variant is found in the general population with an overall allele frequency of 0.15% (307/199906 alleles, including 2 homozygotes) in the Genome Aggregation Database (v2.1.1). This variant induces an early termination codon and is predicted to result in a truncated protein or mRNA subject to nonsense-mediated decay. Based on available information, this variant is considered to be pathogenic. REFERENCES: Fang Y et al. Clinical and Genetic Spectra of Inherited Liver Disease in Children in China. Front Pediatr. 2021 PMID: 33763395 Kimura A et al. Rotor Syndrome: Glucuronidated Bile Acidemia From Defective Reuptake by Hepatocytes. Hepatol Commun. 2021 Apr. PMID: 33860121 van de Steeg E et al. Complete OATP1B1 and OATP1B3 deficiency causes human Rotor syndrome by interrupting conjugated bilirubin reuptake into the liver. J Clin Invest. 2012 Feb. PMID: 22232210 Zhou D et al. Insertion of LINE-1 Retrotransposon Inducing Exon Inversion Causes a Rotor Syndrome Phenotype. Front Genet. 2019 PMID: 32082363

Department of Pathology and Laboratory Medicine, Sinai Health System
Classification: Pathogenic for Rotor syndrome. Last evaluated: 2023-04-23. Review status: criteria provided, single submitter. Criteria: ACMG Guidelines, 2015. Collection method: research. Allele origin: germline.

Pittsburgh Clinical Genomics Laboratory, University of Pittsburgh Medical Center
Classification: Pathogenic for Rotor syndrome. Last evaluated: 2022-11-16. Review status: criteria provided, single submitter. Criteria: ACMG Guidelines, 2015. Collection method: clinical testing. Allele origin: germline. Affected: yes.
Comment: This sequence variant is a single nucleotide substitution (C>T) at coding position 1738 in the SLCO1B1 gene which changes the Arg580 codon into an early termition sigl. As it occurs in exon 13 of 15, this variant is predicted to generate a non-functiol allele through the expression of a truncated protein or a loss of SLCO1B1 expression due to nonsense-mediated decay. This is a previously reported variant (ClinVar) which has been observed in homozygous or compound heterozygous state in many individuals with Rotor syndrome (PMID: 35797228, 22232210, 25546334, 35257483, 32082363, 33860121); all individuals additiolly had loss of function of the SLCO1B3 gene, suggesting that Rotor syndrome is caused by loss of function in both SLCO1B1 and SLCO1B3. This variant is present in 307/199906 alleles (0.1536%) in the gnomAD population database. Protein truncation would remove part of a transmembrane domain and cytoplasmic tail, which would compromise protein function (PMID: 18159134). Based on the available evidence, we consider this variant to be pathogenic. ACMG Criteria: PM3, PS4, PVS1

NM_006446.5(SLCO1B1):c.1738C>T (p.Arg580Ter)

Gene: SLCO1B1 (solute carrier organic anion transporter family member 1B1; plus strand). Cytogenetic location: 12p12.1.
Variant type: single nucleotide variant.
Coding change: c.1738C>T on transcript NM_006446.5 (MANE Select); coding-DNA position 1738, C replaced by T.
Protein change: p.Arg580Ter; replaces arginine 580 with a stop codon.
Molecular consequence: nonsense.
Genome position (GRCh38, 1-based): chr12:21,222,355, C>T. VCF-style: chr12-21222355-C-T. GRCh37 (hg19) VCF-style: chr12-21375289-C-T.
Other names: SLCO1B1, ARG580TER (rs71581941); c.1738C>T (LRG_1022t1); short protein forms R580*.
Identifiers: ClinVar variation 30437 (VCV000030437.65), dbSNP rs71581941, ClinGen allele CA259809.
Genomic context (GRCh38, chr12:21,222,355, plus strand): 5'-TTCAGAATTGTTCAACCTGAATTGAAATCACTTGCACTGGGTTTCCACTCAATGGTTATA[C>T]GAGCACTAGGTATGATGAAAAAAAAAAAAAAAAAAAAAAAAAATATATATATATATATAT-3'